The following is an entry in ClinVar:

NM_001243133.2(NLRP3):c.2264G>A (p.Gly755Glu)

Gene: NLRP3 (NLR family pyrin domain containing 3; plus strand). Cytogenetic location: 1q44.
Variant type: single nucleotide variant.
Coding change: c.2264G>A on transcript NM_001243133.2 (MANE Select); coding-DNA position 2264, G replaced by A.
Protein change: p.Gly755Glu; replaces glycine 755 with glutamic acid.
Molecular consequence: missense variant. On other transcripts: intron variant (2).
Genome position (GRCh38, 1-based): chr1:247,429,698, G>A. VCF-style: chr1-247429698-G-A. GRCh37 (hg19) VCF-style: chr1-247593000-G-A.
Other names: c.2264G>A, p.Gly755Glu (NM_001079821.3, NM_001127461.3); c.2270G>A, p.Gly757Glu (NM_004895.5); c.2150+4099G>A (NM_001127462.3, NM_183395.3); short protein forms G757E, G755E.
Identifiers: ClinVar variation 3633879 (VCV003633879.3).

ClinVar aggregate classification (germline): Uncertain significance. Review status: criteria provided, multiple submitters, no conflicts (2 of 4 stars). 2 submissions from 2 submitters: Uncertain significance (2). Last evaluated 2026-02-24.

Conditions:
NLRP3-related disorder. Also called: NLRP3-related condition; NLRP3-Related Disorders.
Cryopyrin associated periodic syndrome (CAPS). Identifiers: Orphanet 208650, MedGen C2316212, MONDO:0016168.

Submissions (2):

PreventionGenetics, part of Exact Sciences
Classification: Uncertain significance for NLRP3-related condition. Last evaluated: 2026-02-24. Review status: criteria provided, single submitter. Criteria: ACMG Guidelines, 2015. Collection method: clinical testing. Allele origin: germline.
Comment: The NLRP3 c.2270G>A variant is predicted to result in the amino acid substitution p.Gly757Glu. To our knowledge, this variant has not been reported in the literature or in a large population database (gnomAD), indicating this variant is rare. Alternate missense changes impacting this amino acid position (p.Gly757Arg, pGly757Ala) have been reported in individuals with cryopyrin-associated periodic syndrome (CAPS) or CINCA syndrome (reported as p.Gly755Ala in Haverkamp et al. 2014. PubMed ID: 24773462; p.Gly755Arg in Jesus. 2008. PubMed ID: 18080732 and Matsubayashi et al. 2005. PubMed ID: 16449034). At this time, the clinical significance of this variant is uncertain due to the absence of conclusive functional and genetic evidence.

Labcorp Genetics (formerly Invitae), Labcorp
Classification: Uncertain significance for Cryopyrin associated periodic syndrome. Last evaluated: 2025-05-05. Review status: criteria provided, single submitter. Criteria: Invitae Variant Classification Sherloc (09022015). Collection method: clinical testing. Allele origin: germline.
Comment: This sequence change replaces glycine, which is neutral and non-polar, with glutamic acid, which is acidic and polar, at codon 757 of the NLRP3 protein (p.Gly757Glu). This variant is not present in population databases (gnomAD no frequency). This variant has not been reported in the literature in individuals affected with NLRP3-related conditions. ClinVar contains an entry for this variant (Variation ID: 3633879). Invitae Evidence Modeling of protein sequence and biophysical properties (such as structural, functional, and spatial information, amino acid conservation, physicochemical variation, residue mobility, and thermodynamic stability) indicates that this missense variant is expected to disrupt NLRP3 protein function with a positive predictive value of 80%. This variant disrupts the p.Gly757 amino acid residue in NLRP3. Other variant(s) that disrupt this residue have been determined to be pathogenic (PMID: 16871551, 24773462). This suggests that this residue is clinically significant, and that variants that disrupt this residue are likely to be disease-causing. In summary, the available evidence is currently insufficient to determine the role of this variant in disease. Therefore, it has been classified as a Variant of Uncertain Significance.

Literature cited by the submitters: PubMed 16871551 (cited by Labcorp Genetics (formerly Invitae), Labcorp); PubMed 24773462 (cited by Labcorp Genetics (formerly Invitae), Labcorp).